The following is an entry in ClinVar:

ClinVar aggregate classification (germline): Uncertain significance. Review status: criteria provided, multiple submitters, no conflicts (2 of 4 stars). 4 submissions from 4 submitters: Uncertain significance (3). 1 of the submissions does not count toward it. Last evaluated 2025-11-17.

Conditions:
Hereditary cancer-predisposing syndrome. Also called: Hereditary neoplastic syndrome; Neoplastic Syndromes, Hereditary; Tumor predisposition; Hereditary Cancer Syndrome. Identifiers: Orphanet 140162, MedGen C0027672, MeSH D009386, MONDO:0015356.
Ataxia-telangiectasia syndrome (AT). Also called: Ataxia telangiectasia (A-T); LOUIS-BAR SYNDROME; Cerebello-oculocutaneous telangiectasia; Immunodeficiency with ataxia telangiectasia; Ataxia-telangiectasia, complementation group D; AT, COMPLEMENTATION GROUP C. Identifiers: Orphanet 100, MedGen C0004135, MONDO:0008840, OMIM 208900.

Allele frequency attached by ClinVar (database versions not stated): TOPMed 0.00001.

Submissions (4):

Labcorp Genetics (formerly Invitae), Labcorp
Classification: Uncertain significance for Ataxia-telangiectasia syndrome. Last evaluated: 2025-11-17. Review status: criteria provided, single submitter. Criteria: Invitae Variant Classification Sherloc (09022015). Collection method: clinical testing. Allele origin: germline.
Comment: This sequence change replaces isoleucine, which is neutral and non-polar, with serine, which is neutral and polar, at codon 1631 of the ATM protein (p.Ile1631Ser). This variant is not present in population databases (gnomAD no frequency). This variant has not been reported in the literature in individuals affected with ATM-related conditions. ClinVar contains an entry for this variant (Variation ID: 407676). Invitae Evidence Modeling of protein sequence and biophysical properties (such as structural, functional, and spatial information, amino acid conservation, physicochemical variation, residue mobility, and thermodynamic stability) indicates that this missense variant is not expected to disrupt ATM protein function with a negative predictive value of 95%. Studies have shown that this missense change is associated with inconclusive levels of altered splicing (internal data). In summary, the available evidence is currently insufficient to determine the role of this variant in disease. Therefore, it has been classified as a Variant of Uncertain Significance.

Ambry Genetics
Classification: Uncertain significance for Hereditary cancer-predisposing syndrome. Last evaluated: 2024-10-10. Review status: criteria provided, single submitter. Criteria: Ambry Variant Classification Scheme 2023. Collection method: clinical testing. Allele origin: germline.
Comment: The p.I1631S variant (also known as c.4892T>G), located in coding exon 31 of the ATM gene, results from a T to G substitution at nucleotide position 4892. The isoleucine at codon 1631 is replaced by serine, an amino acid with dissimilar properties. This amino acid position is poorly conserved in available vertebrate species. In silico splice site analysis predicts that this alteration will result in the creation or strengthening of a novel splice donor site; however, direct evidence is insufficient at this time (Ambry internal data). In addition, this alteration is predicted to be tolerated by in silico analysis. Based on the available evidence, the clinical significance of this variant remains unclear.

Institute for Biomarker Research, Medical Diagnostic Laboratories, L.L.C.
Classification: Uncertain significance for Hereditary cancer-predisposing syndrome. Last evaluated: 2024-04-02. Review status: criteria provided, single submitter. Criteria: ACMG Guidelines, 2015. Collection method: clinical testing. Allele origin: germline.

Natera, Inc.
Classification: Uncertain significance for Ataxia-telangiectasia. Last evaluated: 2021-03-24. Review status: no assertion criteria provided. Collection method: clinical testing. Allele origin: germline. Not counted in ClinVar's aggregate classification.

NM_000051.4(ATM):c.4892T>G (p.Ile1631Ser)

Gene: ATM (ATM serine/threonine kinase; plus strand). Cytogenetic location: 11q22.3.
Variant type: single nucleotide variant.
Coding change: c.4892T>G on transcript NM_000051.4 (MANE Select); coding-DNA position 4892, T replaced by G.
Protein change: p.Ile1631Ser; replaces isoleucine 1631 with serine.
Molecular consequence: missense variant.
Genome position (GRCh38, 1-based): chr11:108,295,042, T>G. VCF-style: chr11-108295042-T-G. GRCh37 (hg19) VCF-style: chr11-108165769-T-G.
Other names: c.4892T>G, p.Ile1631Ser (NM_001351834.2); short protein forms I1631S.
Identifiers: ClinVar variation 407676 (VCV000407676.18), dbSNP rs1060501674, ClinGen allele CA16613064.